The following is an entry in ClinVar:

NM_016356.5(DCDC2):c.954G>A (p.Arg318=)

Gene: DCDC2 (doublecortin domain containing 2; minus strand). Cytogenetic location: 6p22.3.
Variant type: single nucleotide variant.
Coding change: c.954G>A on transcript NM_016356.5 (MANE Select); coding-DNA position 954, G replaced by A.
Protein change: p.Arg318=; no amino-acid change (arginine 318 retained).
Molecular consequence: synonymous variant.
Genome position (GRCh38, 1-based): chr6:24,205,071, C>T on the plus strand (G>A on the coding strand, the complement: DCDC2 is on the minus strand). VCF-style: chr6-24205071-C-T. GRCh37 (hg19) VCF-style: chr6-24205299-C-T.
Other names: c.954G>A (NM_016356.4); c.954G>A, p.Arg318= (NM_001195610.2).
Identifiers: ClinVar variation 598138 (VCV000598138.13), dbSNP rs140084657, ClinGen allele CA3654553.

ClinVar aggregate classification (germline): Conflicting classifications of pathogenicity. Review status: criteria provided, conflicting classifications (1 of 4 stars). 3 submissions from 3 submitters: Uncertain significance (1); Likely benign (2). Last evaluated 2026-01-25.

Conditions:
DCDC2-related disorder. Also called: DCDC2-related condition.
Isolated neonatal sclerosing cholangitis (NSC). Also called: Sclerosing cholangitis, neonatal. Identifiers: Orphanet 480556, MedGen C4479344, MONDO:0018816, OMIM 617394.
Autosomal recessive nonsyndromic hearing loss 66 (DFNB66). Also called: Deafness, autosomal recessive 66. Identifiers: Orphanet 90636, MedGen C1857750, MONDO:0012442, OMIM 610212.

Allele frequency attached by ClinVar (database versions not stated): gnomAD exomes 0.00001; ExAC 0.00002; gnomAD 0.00007; ESP Exome Variant Server 0.00008; TOPMed 0.00011.
gnomAD v4.1: 18 of 1,614,016 alleles (0.0011%); highest among the groups gnomAD compares: African/African-American, 0.023%; no homozygotes.

Submissions (3):

Labcorp Genetics (formerly Invitae), Labcorp
Classification: Likely benign for Autosomal recessive nonsyndromic hearing loss 66; Isolated neonatal sclerosing cholangitis. Last evaluated: 2026-01-25. Review status: criteria provided, single submitter. Criteria: Invitae Variant Classification Sherloc (09022015). Collection method: clinical testing. Allele origin: germline.

PreventionGenetics, part of Exact Sciences
Classification: Likely benign for DCDC2-related condition. Last evaluated: 2025-03-06. Review status: criteria provided, single submitter. Criteria: ACMG Guidelines, 2015. Collection method: clinical testing. Allele origin: germline.
Comment: This variant is classified as likely benign based on ACMG/AMP sequence variant interpretation guidelines (Richards et al. 2015 PMID: 25741868, with internal and published modifications).

Eurofins Ntd Llc (ga)
Classification: Uncertain significance. Last evaluated: 2018-07-24. Review status: criteria provided, single submitter. Criteria: EGL ClinVar v180209 classification definitions. Collection method: clinical testing. Allele origin: germline. Observed: 1 variant allele, 1 heterozygote.